The following is an entry in ClinVar:

NM_002471.4(MYH6):c.2250T>C (p.Ser750=)

Gene: MYH6 (myosin heavy chain 6; minus strand). Cytogenetic location: 14q11.2.
Variant type: single nucleotide variant.
Coding change: c.2250T>C on transcript NM_002471.4 (MANE Select); coding-DNA position 2250, T replaced by C.
Protein change: p.Ser750=; no amino-acid change (serine 750 retained).
Molecular consequence: synonymous variant.
Genome position (GRCh38, 1-based): chr14:23,396,736, A>G on the plus strand (T>C on the coding strand, the complement: MYH6 is on the minus strand). VCF-style: chr14-23396736-A-G. GRCh37 (hg19) VCF-style: chr14-23865945-A-G.
Identifiers: ClinVar variation 470511 (VCV000470511.13), dbSNP rs144050960, ClinGen allele CA7115542.

ClinVar aggregate classification (germline): Likely benign. Review status: criteria provided, multiple submitters, no conflicts (2 of 4 stars). 4 submissions from 4 submitters: Likely benign (4). Last evaluated 2026-04-04.

Conditions:
MYH6-related disorder. Also called: MYH6-Related Disorders; MYH6-related condition.
Cardiovascular phenotype. Identifiers: MedGen CN230736.
Hypertrophic cardiomyopathy 14. Identifiers: MedGen C2750467, MONDO:0013197, OMIM 613251.

Allele frequency attached by ClinVar (database versions not stated): gnomAD exomes 0.00003 and 0.00004; gnomAD 0.00005; TOPMed 0.00005; ExAC 0.00006; 1000 Genomes Project 0.00020; 1000 Genomes Project 30x 0.00031.
gnomAD v4.1: 56 of 1,614,018 alleles (0.0035%); highest among the groups gnomAD compares: South Asian, 0.024%; no homozygotes.

Submissions (4):

PreventionGenetics, part of Exact Sciences
Classification: Likely benign for MYH6-related condition. Last evaluated: 2026-04-04. Review status: criteria provided, single submitter. Criteria: ACMG Guidelines, 2015. Collection method: clinical testing. Allele origin: germline.
Comment: This variant is classified as likely benign based on ACMG/AMP sequence variant interpretation guidelines (Richards et al. 2015 PMID: 25741868, with internal and published modifications).

Labcorp Genetics (formerly Invitae), Labcorp
Classification: Likely benign for Hypertrophic cardiomyopathy 14. Last evaluated: 2025-12-31. Review status: criteria provided, single submitter. Criteria: Invitae Variant Classification Sherloc (09022015). Collection method: clinical testing. Allele origin: germline.

Blueprint Genetics
Classification: Likely benign. Last evaluated: 2024-09-03. Review status: criteria provided, single submitter. Criteria: ACMG Guidelines, 2015. Collection method: clinical testing. Allele origin: germline.

Ambry Genetics
Classification: Likely benign for Cardiovascular phenotype. Last evaluated: 2020-12-08. Review status: criteria provided, single submitter. Criteria: Ambry Variant Classification Scheme 2023. Collection method: clinical testing. Allele origin: germline.